The following is an entry in ClinVar:

NM_020207.7(ERCC6L2):c.4529C>T (p.Ala1510Val)

Gene: ERCC6L2 (ERCC excision repair 6 like 2; plus strand). Cytogenetic location: 9q22.32.
Variant type: single nucleotide variant.
Coding change: c.4529C>T on transcript NM_020207.7 (MANE Select); coding-DNA position 4529, C replaced by T.
Protein change: p.Ala1510Val; replaces alanine 1510 with valine.
Molecular consequence: missense variant. On other transcripts: non-coding transcript variant (1), intron variant (2).
Genome position (GRCh38, 1-based): chr9:96,013,079, C>T. VCF-style: chr9-96013079-C-T. GRCh37 (hg19) VCF-style: chr9-98775361-C-T.
Other names: c.3674+8378C>T (NM_001375291.1, NM_001375292.1); short protein forms A1510V.
Identifiers: ClinVar variation 1480541 (VCV001480541.6), dbSNP rs749282233, ClinGen allele CA5140121.

ClinVar aggregate classification (germline): Uncertain significance (1 of 4 stars; one submission).

Allele frequency attached by ClinVar (database versions not stated): gnomAD exomes 0.00002 and 0.00006; ExAC 0.00003; gnomAD 0.00003 and 0.00004; TOPMed 0.00009.
gnomAD v4.1: 31 of 1,367,530 alleles (0.0023%); highest among the groups gnomAD compares: Admixed American, 0.023%; no homozygotes.

Submission:

Labcorp Genetics (formerly Invitae), Labcorp
Classification: Uncertain significance. Last evaluated: 2024-01-15. Review status: criteria provided, single submitter. Criteria: Invitae Variant Classification Sherloc (09022015). Collection method: clinical testing. Allele origin: germline.
Comment: This sequence change replaces alanine, which is neutral and non-polar, with valine, which is neutral and non-polar, at codon 1521 of the ERCC6L2 protein (p.Ala1521Val). This variant is present in population databases (rs749282233, gnomAD 0.02%). This variant has not been reported in the literature in individuals affected with ERCC6L2-related conditions. ClinVar contains an entry for this variant (Variation ID: 1480541). Experimental studies and prediction algorithms are not available or were not evaluated, and the functional significance of this variant is currently unknown. In summary, the available evidence is currently insufficient to determine the role of this variant in disease. Therefore, it has been classified as a Variant of Uncertain Significance.